The following is an entry in ClinVar:

ClinVar aggregate classification (germline): Uncertain significance (1 of 4 stars; one submission).

Conditions:
Primary ciliary dyskinesia. Also called: Ciliary dyskinesia. Identifiers: Orphanet 244, MedGen C0008780, MONDO:0016575, HP:0012265.

Submission:

Labcorp Genetics (formerly Invitae), Labcorp
Classification: Uncertain significance for Primary ciliary dyskinesia. Last evaluated: 2024-05-15. Review status: criteria provided, single submitter. Criteria: Invitae Variant Classification Sherloc (09022015). Collection method: clinical testing. Allele origin: germline.
Comment: This sequence change falls in intron 36 of the DNAH8 gene. It does not directly change the encoded amino acid sequence of the DNAH8 protein. It affects a nucleotide within the consensus splice site. This variant is not present in population databases (gnomAD no frequency). This variant has not been reported in the literature in individuals affected with DNAH8-related conditions. ClinVar contains an entry for this variant (Variation ID: 2133653). Variants that disrupt the consensus splice site are a relatively common cause of aberrant splicing (PMID: 17576681, 9536098). Algorithms developed to predict the effect of sequence changes on RNA splicing suggest that this variant may disrupt the consensus splice site. In summary, the available evidence is currently insufficient to determine the role of this variant in disease. Therefore, it has been classified as a Variant of Uncertain Significance.

Literature cited by the submitters: PubMed 17576681; PubMed 9536098.

NM_001206927.2(DNAH8):c.5045+3A>G

Gene: DNAH8 (dynein axonemal heavy chain 8; plus strand). Cytogenetic location: 6p21.2.
Variant type: single nucleotide variant.
Coding change: c.5045+3A>G on transcript NM_001206927.2 (MANE Select); 3 bases into the intron after coding-DNA position 5045, A replaced by G.
Molecular consequence: intron variant.
Genome position (GRCh38, 1-based): chr6:38,845,776, A>G. VCF-style: chr6-38845776-A-G. GRCh37 (hg19) VCF-style: chr6-38813552-A-G.
Other names: c.4394+3A>G (NM_001371.4).
Identifiers: ClinVar variation 2133653 (VCV002133653.4), dbSNP rs2532836500, ClinGen allele CA2580074469.